The following is an entry in ClinVar:

NM_000186.4(CFH):c.3179T>C (p.Val1060Ala)

Gene: CFH (complement factor H; plus strand). Cytogenetic location: 1q31.3.
Variant type: single nucleotide variant.
Coding change: c.3179T>C on transcript NM_000186.4 (MANE Select); coding-DNA position 3179, T replaced by C.
Protein change: p.Val1060Ala; replaces valine 1060 with alanine.
Molecular consequence: missense variant.
Genome position (GRCh38, 1-based): chr1:196,743,497, T>C. VCF-style: chr1-196743497-T-C. GRCh37 (hg19) VCF-style: chr1-196712627-T-C.
Other names: short protein forms V1060A.
Identifiers: ClinVar variation 4291541 (VCV004291541.1).

ClinVar aggregate classification (germline): Uncertain significance (1 of 4 stars; one submission).

Conditions:
Atypical hemolytic-uremic syndrome. Identifiers: Orphanet 2134, MedGen C2931788, MONDO:0016244.
Basal laminar drusen. Also called: DRUSEN OF BRUCH MEMBRANE; DRUSEN, CUTICULAR; DRUSEN, EARLY ADULT-ONSET, GROUPED. Identifiers: Orphanet 75376, MedGen C0730295, MONDO:0007472, OMIM 126700.
Factor H deficiency (CFHD). Also called: COMPLEMENT FACTOR H DEFICIENCY; CFH DEFICIENCY. Identifiers: Orphanet 200421, MedGen C0398777, MONDO:0012350, OMIM 609814.
Age related macular degeneration 4. Identifiers: MedGen C1853147, MONDO:0012540, OMIM 610698.

Submission:

Genomenon, Inc
Classification: Uncertain significance for Basal laminar drusen; Age related macular degeneration 4; Atypical hemolytic-uremic syndrome; Factor H deficiency. Last evaluated: 2025-10-02. Review status: criteria provided, single submitter. Criteria: Genomenon Sequence Variant Interpretation Standards - Updated. Collection method: curation. Allele origin: germline. Affected: no.
Comment: CFH p.Val1060Ala (c.3179T>C) is a missense variant that changes the amino acid at residue 1060 from Valine to Alanine. This variant has been reported in the published literature (PMID:34189567). It is absent or not present at a significant frequency in gnomAD. In silico models agree that this variant is not damaging. In conclusion, we classify CFH p.Val1060Ala (c.3179T>C) as a variant of uncertain significance.

Literature cited by the submitters: PubMed 34189567.